The following is an entry in ClinVar:

ClinVar aggregate classification (germline): Likely benign (1 of 4 stars; one submission).

Allele frequency attached by ClinVar (database versions not stated): gnomAD 0.00001; gnomAD exomes 0.00001; TOPMed 0.00001.
gnomAD v4.1: 26 of 1,613,986 alleles (0.0016%); highest among the groups gnomAD compares: Middle Eastern, 0.049%; no homozygotes.

Submission:

CeGaT Center for Human Genetics Tuebingen
Classification: Likely benign. Last evaluated: 2026-09-01. Review status: criteria provided, single submitter. Criteria: CeGaT Center For Human Genetics Tuebingen Variant Classification Criteria Version 2. Collection method: clinical testing. Allele origin: germline. Affected: yes. Observed: 2 variant alleles.
Comment: CTCF: BP4

NM_006565.4(CTCF):c.888C>T (p.Cys296=)

Gene: CTCF (CCCTC-binding factor; plus strand). Cytogenetic location: 16q22.1.
Variant type: single nucleotide variant.
Coding change: c.888C>T on transcript NM_006565.4 (MANE Select); coding-DNA position 888, C replaced by T.
Protein change: p.Cys296=; no amino-acid change (cysteine 296 retained).
Molecular consequence: synonymous variant. On other transcripts: intron variant (1).
Genome position (GRCh38, 1-based): chr16:67,612,057, C>T. VCF-style: chr16-67612057-C-T. GRCh37 (hg19) VCF-style: chr16-67645960-C-T.
Other names: c.888C>T, p.Cys296= (NM_001363916.2); c.-32-4688C>T (NM_001191022.2).
Identifiers: ClinVar variation 2646629 (VCV002646629.24), dbSNP rs1215273013, ClinGen allele CA495993852.
Genomic context (GRCh38, chr16:67,612,057, plus strand): 5'-ACGGCGTTCAAATTTGGATCGTCACATGAAAAGCCACACTGATGAGAGACCACACAAGTG[C>T]CATCTCTGTGGCAGGGCATTCAGAACAGTCACCCTCCTGAGGAATCACCTTAACACACAC-3'
Protein context (NP_006556.1, residues 286-306): KSHTDERPHK[Cys296=]HLCGRAFRTV